The following is an entry in ClinVar:

NM_001303256.3(MORC2):c.1468G>A (p.Ala490Thr)

Gene: MORC2 (MORC family CW-type zinc finger 2; minus strand). Cytogenetic location: 22q12.2.
Variant type: single nucleotide variant.
Coding change: c.1468G>A on transcript NM_001303256.3 (MANE Select); coding-DNA position 1468, G replaced by A.
Protein change: p.Ala490Thr; replaces alanine 490 with threonine.
Molecular consequence: missense variant.
Genome position (GRCh38, 1-based): chr22:30,937,613, C>T on the plus strand (G>A on the coding strand, the complement: MORC2 is on the minus strand). VCF-style: chr22-30937613-C-T. GRCh37 (hg19) VCF-style: chr22-31333600-C-T.
Other names: c.1468G>A, p.Ala490Thr (NM_001303257.2); c.1282G>A, p.Ala428Thr (NM_014941.3); short protein forms A490T, A428T.
Identifiers: ClinVar variation 567616 (VCV000567616.7), dbSNP rs1569192031, ClinGen allele CA411237715.

ClinVar aggregate classification (germline): Uncertain significance (1 of 4 stars; one submission).

Conditions:
Charcot-Marie-Tooth disease axonal type 2Z. Also called: CHARCOT-MARIE-TOOTH DISEASE, AXONAL, AUTOSOMAL DOMINANT, TYPE 2Z; CHARCOT-MARIE-TOOTH NEUROPATHY, TYPE 2Z. Identifiers: Orphanet 466768, MedGen C5569025, MONDO:0014736, OMIM 616688.

Allele frequency attached by ClinVar (database versions not stated): gnomAD exomes below 0.00001.
gnomAD v4.1: 1 of 1,613,298 alleles (0.000062%); highest among the groups gnomAD compares: Non-Finnish European, 0.000085%; no homozygotes.

Submission:

Labcorp Genetics (formerly Invitae), Labcorp
Classification: Uncertain significance for Charcot-Marie-Tooth disease axonal type 2Z. Last evaluated: 2018-05-12. Review status: criteria provided, single submitter. Criteria: Invitae Variant Classification Sherloc (09022015). Collection method: clinical testing. Allele origin: germline.
Comment: Algorithms developed to predict the effect of missense changes on protein structure and function do not agree on the potential impact of this missense change (SIFT: "Deleterious"; PolyPhen-2: "Possibly Damaging"; Align-GVGD: "Class C0"). In summary, the available evidence is currently insufficient to determine the role of this variant in disease. Therefore, it has been classified as a Variant of Uncertain Significance. This variant has not been reported in the literature in individuals with MORC2-related disease. This variant is not present in population databases (ExAC no frequency). This sequence change replaces alanine with threonine at codon 428 of the MORC2 protein (p.Ala428Thr). The alanine residue is highly conserved and there is a small physicochemical difference between alanine and threonine.